The following is an entry in ClinVar:

ClinVar aggregate classification (germline): Uncertain significance (1 of 4 stars; one submission).

Allele frequency attached by ClinVar (database versions not stated): gnomAD exomes 0.00001; TOPMed 0.00002; gnomAD 0.00005; ExAC 0.00024; 1000 Genomes Project 30x 0.00031; 1000 Genomes Project 0.00040.
gnomAD v4.1: 27 of 1,551,692 alleles (0.0017%); highest among the groups gnomAD compares: Middle Eastern, 0.017%; 1 homozygote.

Submission:

Labcorp Genetics (formerly Invitae), Labcorp
Classification: Uncertain significance. Last evaluated: 2022-12-19. Review status: criteria provided, single submitter. Criteria: Invitae Variant Classification Sherloc (09022015). Collection method: clinical testing. Allele origin: germline.
Comment: This sequence change replaces proline, which is neutral and non-polar, with leucine, which is neutral and non-polar, at codon 1770 of the TET2 protein (p.Pro1770Leu). In summary, the available evidence is currently insufficient to determine the role of this variant in disease. Therefore, it has been classified as a Variant of Uncertain Significance. Algorithms developed to predict the effect of missense changes on protein structure and function are either unavailable or do not agree on the potential impact of this missense change (SIFT: "Deleterious"; PolyPhen-2: "Benign"; Align-GVGD: "Class C15"). This variant has not been reported in the literature in individuals affected with TET2-related conditions. This variant is present in population databases (rs556077207, gnomAD 0.02%).

NM_001127208.3(TET2):c.5309C>T (p.Pro1770Leu)

Genes: TET2 (tet methylcytosine dioxygenase 2; plus strand), TET2-AS1 (TET2 antisense RNA 1; minus strand). Cytogenetic location: 4q24.
Variant type: single nucleotide variant.
Coding change: c.5309C>T on transcript NM_001127208.3 (MANE Select); coding-DNA position 5309, C replaced by T.
Protein change: p.Pro1770Leu; replaces proline 1770 with leucine.
Molecular consequence: missense variant.
Genome position (GRCh38, 1-based): chr4:105,275,819, C>T. VCF-style: chr4-105275819-C-T. GRCh37 (hg19) VCF-style: chr4-106196976-C-T.
Other names: short protein forms P1770L.
Identifiers: ClinVar variation 2147663 (VCV002147663.2), dbSNP rs556077207, ClinGen allele CA3032260.